The following is an entry in ClinVar:

ClinVar aggregate classification (germline): Uncertain significance. Review status: criteria provided, multiple submitters, no conflicts (2 of 4 stars). 2 submissions from 2 submitters: Uncertain significance (2). Last evaluated 2023-12-13.

Conditions:
Inborn genetic diseases. Identifiers: MedGen C0950123, MeSH D030342.
Hereditary sensory and autonomic neuropathy type 7. Also called: HSAN VII; Neuropathy, hereditary sensory and autonomic, type VII. Identifiers: Orphanet 391397, MedGen C3809882, MONDO:0014244, OMIM 615548.
Familial episodic pain syndrome with predominantly lower limb involvement. Also called: Episodic pain syndrome, familial, 3. Identifiers: Orphanet 391384, Orphanet 391392, MedGen C3809899, MONDO:0014247, OMIM 615552.

Allele frequency attached by ClinVar (database versions not stated): TOPMed below 0.00001; gnomAD 0.00001; ExAC 0.00002; gnomAD exomes 0.00002.
gnomAD v4.1: 23 of 1,602,204 alleles (0.0014%); highest among the groups gnomAD compares: Non-Finnish European, 0.002%; no homozygotes.

Submissions (2):

Labcorp Genetics (formerly Invitae), Labcorp
Classification: Uncertain significance for Familial episodic pain syndrome with predominantly lower limb involvement; Hereditary sensory and autonomic neuropathy type 7. Last evaluated: 2023-12-13. Review status: criteria provided, single submitter. Criteria: Invitae Variant Classification Sherloc (09022015). Collection method: clinical testing. Allele origin: germline.
Comment: This sequence change falls in intron 18 of the SCN11A gene. It does not directly change the encoded amino acid sequence of the SCN11A protein. This variant is present in population databases (rs781406151, gnomAD 0.002%). This variant has not been reported in the literature in individuals affected with SCN11A-related conditions. ClinVar contains an entry for this variant (Variation ID: 1729073). Algorithms developed to predict the effect of sequence changes on RNA splicing suggest that this variant may disrupt the consensus splice site. In summary, the available evidence is currently insufficient to determine the role of this variant in disease. Therefore, it has been classified as a Variant of Uncertain Significance.

Ambry Genetics
Classification: Uncertain significance for Inborn genetic diseases. Last evaluated: 2020-08-20. Review status: criteria provided, single submitter. Criteria: Ambry Variant Classification Scheme 2023. Collection method: clinical testing. Allele origin: germline.
Comment: The c.3220-6T>C intronic variant results from a T to C substitution 6 nucleotides upstream from coding exon 19 in the SCN11A gene. This nucleotide position is well conserved in available vertebrate species. In silico splice site analysis predicts that this alteration will weaken the native splice acceptor site. Since supporting evidence is limited at this time, the clinical significance of this alteration remains unclear.

NM_001349253.2(SCN11A):c.3220-6T>C

Gene: SCN11A (sodium voltage-gated channel alpha subunit 11; minus strand). Cytogenetic location: 3p22.2.
Variant type: single nucleotide variant.
Coding change: c.3220-6T>C on transcript NM_001349253.2 (MANE Select); 6 bases into the intron before coding-DNA position 3220, T replaced by C.
Molecular consequence: intron variant.
Genome position (GRCh38, 1-based): chr3:38,880,129, A>G on the plus strand (T>C on the coding strand, the complement: SCN11A is on the minus strand). VCF-style: chr3-38880129-A-G. GRCh37 (hg19) VCF-style: chr3-38921620-A-G.
Other names: c.3220-6T>C (NM_014139.3).
Identifiers: ClinVar variation 1729073 (VCV001729073.5), dbSNP rs781406151, ClinGen allele CA2321837.